The following is an entry in ClinVar:

NM_020533.3(MCOLN1):c.405+16C>T

Gene: MCOLN1 (mucolipin TRP cation channel 1; plus strand). Cytogenetic location: 19p13.2.
Variant type: single nucleotide variant.
Coding change: c.405+16C>T on transcript NM_020533.3 (MANE Select); 16 bases into the intron after coding-DNA position 405, C replaced by T.
Molecular consequence: intron variant.
Genome position (GRCh38, 1-based): chr19:7,526,622, C>T. VCF-style: chr19-7526622-C-T. GRCh37 (hg19) VCF-style: chr19-7591508-C-T.
Identifiers: ClinVar variation 1426599 (VCV001426599.4), dbSNP rs771159619, ClinGen allele CA9138711.
Genomic context (GRCh38, chr19:7,526,622, plus strand): 5'-ACGCGGGAGCAGCTGTACCAGGCCATCTTCCATGCTGTGGACCAGGTGCTGGTGGGCGGG[C>T]AGGTGCTGGTGGGCAGGCAGGTGCAGGTGGGCGGGCAGGTGCAGTTGGGCGGGCAGGTGC-3'

ClinVar aggregate classification (germline): Uncertain significance (1 of 4 stars; one submission).

Conditions:
Mucolipidosis type IV (ML4). Also called: ML IV. Identifiers: Orphanet 578, MedGen C0238286, MONDO:0009653, OMIM 252650.

Allele frequency attached by ClinVar (database versions not stated): gnomAD exomes below 0.00001; ExAC 0.00001; gnomAD 0.00001; TOPMed 0.00001.
gnomAD v4.1: 3 of 1,608,148 alleles (0.00019%); highest among the groups gnomAD compares: Admixed American, 0.0017%; no homozygotes.

Submission:

Labcorp Genetics (formerly Invitae), Labcorp
Classification: Uncertain significance for Mucolipidosis type IV. Last evaluated: 2024-01-22. Review status: criteria provided, single submitter. Criteria: Invitae Variant Classification Sherloc (09022015). Collection method: clinical testing. Allele origin: germline.
Comment: This sequence change falls in intron 3 of the MCOLN1 gene. It does not directly change the encoded amino acid sequence of the MCOLN1 protein. The frequency data for this variant in the population databases is considered unreliable, as metrics indicate poor data quality at this position in the gnomAD database. This variant has not been reported in the literature in individuals affected with MCOLN1-related conditions. ClinVar contains an entry for this variant (Variation ID: 1426599). Algorithms developed to predict the effect of sequence changes on RNA splicing suggest that this variant may disrupt the consensus splice site. In summary, the available evidence is currently insufficient to determine the role of this variant in disease. Therefore, it has been classified as a Variant of Uncertain Significance.